The following is an entry in ClinVar:

ClinVar aggregate classification (germline): Uncertain significance. Review status: criteria provided, multiple submitters, no conflicts (2 of 4 stars). 6 submissions from 6 submitters: Uncertain significance (6). Last evaluated 2026-08-06.

Conditions:
POLG-related disorder. Also called: POLG-related condition; POLG-Related Disorders; POLG-Related Spectrum Disorders. Identifiers: MedGen C4763519.
Inborn genetic diseases. Identifiers: MedGen C0950123, MeSH D030342.
Progressive external ophthalmoplegia with mitochondrial DNA deletions, autosomal recessive 1 (PEOB1). Also called: Progressive external ophthalmoplegia, autosomal recessive 1; Autosomal Recessive Progressive External Ophthalmoplegia (arPEO). Identifiers: Orphanet 254886, MedGen C4225153, MONDO:0009783, OMIM 258450.
Progressive sclerosing poliodystrophy (MTDPS4A). Also called: Alpers Syndrome; ALPERS PROGRESSIVE INFANTILE POLIODYSTROPHY; NEURONAL DEGENERATION OF CHILDHOOD WITH LIVER DISEASE, PROGRESSIVE; Mitochondrial DNA depletion syndrome 4A (Alpers type); Mitochondrial DNA Depletion Syndrome 4A; Alpers-Huttenlocher Syndrome (AHS). Identifiers: Orphanet 726, MedGen C0205710, MONDO:0008758, OMIM 203700.

Allele frequency attached by ClinVar (database versions not stated): TOPMed 0.00005; gnomAD exomes below 0.00001 and 0.00001; gnomAD 0.00001.
gnomAD v4.1: 6 of 1,613,934 alleles (0.00037%); highest among the groups gnomAD compares: Admixed American, 0.0083%; no homozygotes.

Submissions (6):

OLLIN Analises Genomicas, OLLIN
Classification: Uncertain significance for Progressive external ophthalmoplegia with mitochondrial DNA deletions, autosomal recessive 1. Last evaluated: 2026-08-06. Review status: criteria provided, single submitter. Criteria: ACMG Guidelines 2015 PMID 25741868. Collection method: clinical testing. Allele origin: germline. Inheritance: Autosomal recessive inheritance.
Comment: This missense variant, located in exon 13 (of 23), has been reported in ClinVar (accession VCV000206518.14) and in gnomAD with an allele frequency of 0.00037%. However, to our knowledge, it has not been reported in the scientific literature. In silico analysis predicts that this variant has a deleterious effect. This variant did not segregate with the phenotype among affected individuals. According to the currently available evidence, this variant has been classified as uncertain significance (PM2, PP3, BS4).

Labcorp Genetics (formerly Invitae), Labcorp
Classification: Uncertain significance for Progressive sclerosing poliodystrophy. Last evaluated: 2025-08-25. Review status: criteria provided, single submitter. Criteria: Invitae Variant Classification Sherloc (09022015). Collection method: clinical testing. Allele origin: germline.
Comment: This sequence change replaces tyrosine, which is neutral and polar, with histidine, which is basic and polar, at codon 739 of the POLG protein (p.Tyr739His). This variant is present in population databases (rs796052885, gnomAD 0.003%). This variant has not been reported in the literature in individuals affected with POLG-related conditions. ClinVar contains an entry for this variant (Variation ID: 206518). Invitae Evidence Modeling of protein sequence and biophysical properties (such as structural, functional, and spatial information, amino acid conservation, physicochemical variation, residue mobility, and thermodynamic stability) has been performed for this missense variant. However, the output from this modeling did not meet the statistical confidence thresholds required to predict the impact of this variant on POLG protein function. In summary, the available evidence is currently insufficient to determine the role of this variant in disease. Therefore, it has been classified as a Variant of Uncertain Significance.

PreventionGenetics, part of Exact Sciences
Classification: Uncertain significance for POLG-related condition. Last evaluated: 2025-02-04. Review status: criteria provided, single submitter. Criteria: ACMG Guidelines, 2015. Collection method: clinical testing. Allele origin: germline.
Comment: The POLG c.2215T>C variant is predicted to result in the amino acid substitution p.Tyr739His. To our knowledge, this variant has not been reported in the literature. This variant is reported in 1 of 251384 alleles in gnomAD. At this time, the clinical significance of this variant is uncertain due to the absence of conclusive functional and genetic evidence.

Ambry Genetics
Classification: Uncertain significance for Inborn genetic diseases. Last evaluated: 2024-09-30. Review status: criteria provided, single submitter. Criteria: Ambry Variant Classification Scheme 2023. Collection method: clinical testing. Allele origin: germline.

Athena Diagnostics
Classification: Uncertain significance. Last evaluated: 2024-05-20. Review status: criteria provided, single submitter. Criteria: Athena Diagnostics Criteria. Collection method: clinical testing. Allele origin: unknown.
Comment: Available data are insufficient to determine the clinical significance of the variant at this time. The frequency of this variant in the general population is uninformative in assessment of its pathogenicity. Polyphen and MutationTaster yielded discordant predictions regarding whether this amino acid change is damaging to the protein.

GeneDx
Classification: Uncertain significance. Last evaluated: 2016-08-15. Review status: criteria provided, single submitter. Criteria: GeneDx Variant Classification (06012015). Collection method: clinical testing. Allele origin: germline. Affected: yes.
Comment: A variant of unknown significance has been identified in the POLG gene. The Y739H variant has not been published as a pathogenic variant, nor has it been reported as a benign polymorphism to our knowledge. The Y739H variant is not observed in large population cohorts (Lek et al., 2016; 1000 Genomes Consortium et al., 2015; Exome Variant Server). The Y739H variant is a is a non-conservative amino acid substitution, which is likely to impact secondary protein structure as these residues differ in polarity, charge, size and/or other properties. This substitution occurs at a position that is conserved in mammals, and missense variants in nearby residues (N736S, G737R) have been reported in the Human Gene Mutation Database in association with POLG-related disorders (Stenson et al., 2014). In silico analysis is inconsistent in its predictions as to whether or not the Y739H variant is damaging to the protein structure/function. Based on the currently available information, it is unclear whether this variant is a pathogenic variant or a rare benign variant.

NM_002693.3(POLG):c.2215T>C (p.Tyr739His)

Gene: POLG (DNA polymerase gamma, catalytic subunit; minus strand). Cytogenetic location: 15q26.1.
Variant type: single nucleotide variant.
Coding change: c.2215T>C on transcript NM_002693.3 (MANE Select); coding-DNA position 2215, T replaced by C.
Protein change: p.Tyr739His; replaces tyrosine 739 with histidine.
Molecular consequence: missense variant.
Genome position (GRCh38, 1-based): chr15:89,323,454, A>G on the plus strand (T>C on the coding strand, the complement: POLG is on the minus strand). VCF-style: chr15-89323454-A-G. GRCh37 (hg19) VCF-style: chr15-89866685-A-G.
Other names: p.Y739H:TAC>CAC; c.2215T>C, p.Tyr739His (NM_001126131.2); short protein forms Y739H.
Identifiers: ClinVar variation 206518 (VCV000206518.15), dbSNP rs796052885, ClinGen allele CA316681.
Genomic context (GRCh38, chr15:89,323,454, plus strand): 5'-CAGGACACACCTTGTGAGGCAGCTTGAAAAACCAGCAGCCAGGGATGTCCACGTCGTTGT[A>G]AGGTCCATTGCCATGGTGATAGCTGGGCTGGGTGTCCTTGGGGCCACCACGGGCAGTCTG-3'
Protein context (NP_002684.1, residues 729-749): QPSYHHGNGP[Tyr739His]NDVDIPGCWF